The following is an entry in ClinVar:

NM_001297.5(CNGB1):c.2794+1G>A

Gene: CNGB1 (cyclic nucleotide gated channel subunit beta 1; minus strand). Cytogenetic location: 16q21.
Variant type: single nucleotide variant.
Coding change: c.2794+1G>A on transcript NM_001297.5 (MANE Select); the canonical splice donor site of the intron after coding-DNA position 2794, G replaced by A.
Molecular consequence: splice donor variant.
Genome position (GRCh38, 1-based): chr16:57,903,821, C>T on the plus strand (G>A on the coding strand, the complement: CNGB1 is on the minus strand). VCF-style: chr16-57903821-C-T. GRCh37 (hg19) VCF-style: chr16-57937725-C-T.
Other names: c.2776+1G>A (NM_001286130.2).
Identifiers: ClinVar variation 425109 (VCV000425109.59), dbSNP rs770011113, ClinGen allele CA8082831.

ClinVar aggregate classification (germline): Pathogenic/Likely pathogenic. Review status: criteria provided, multiple submitters, no conflicts (2 of 4 stars). 9 submissions from 9 submitters: Pathogenic (7); Likely pathogenic (2). Last evaluated 2026-06-26.

Conditions:
CNGB1-related disorder. Also called: CNGB1-related condition.
Retinitis pigmentosa (RP). Identifiers: Orphanet 791, MedGen C0035334, MeSH D012174, MONDO:0019200, OMIM 268000. Inheritance: Autosomal dominant, autosomal recessive and X linked inheritance.
Retinitis pigmentosa 45 (RP45). Identifiers: Orphanet 791, MedGen C3151066, MONDO:0013413, OMIM 613767.

Allele frequency attached by ClinVar (database versions not stated): TOPMed 0.00002; gnomAD exomes 0.00004 and 0.00009; ExAC 0.00008.
gnomAD v4.1: 25 of 1,613,960 alleles (0.0015%); highest among the groups gnomAD compares: Admixed American, 0.042%; no homozygotes.

Submissions (9):

PreventionGenetics, part of Exact Sciences
Classification: Pathogenic for CNGB1-related condition. Last evaluated: 2026-06-26. Review status: criteria provided, single submitter. Criteria: ACMG Guidelines, 2015. Collection method: clinical testing. Allele origin: germline.
Comment: The CNGB1 c.2794+1G>A variant is predicted to disrupt the GT donor site and interfere with normal splicing. This variant has been reported, along with a second variant in the same gene, in an individual with sporadic retinitis pigmentosa (Supplementary Table S2 in Weisschuh et al. 2020. PubMed ID: 32531858). This variant is reported in 0.067% of alleles in individuals of Latino descent in gnomAD. Variants that disrupt the consensus splice donor site in CNGB1 are expected to be pathogenic. This variant is interpreted as pathogenic.

Labcorp Genetics (formerly Invitae), Labcorp
Classification: Pathogenic. Last evaluated: 2025-12-28. Review status: criteria provided, single submitter. Criteria: Invitae Variant Classification Sherloc (09022015). Collection method: clinical testing. Allele origin: germline.
Comment: This sequence change affects a donor splice site in intron 27 of the CNGB1 gene. It is expected to disrupt RNA splicing. Variants that disrupt the donor or acceptor splice site typically lead to a loss of protein function (PMID: 16199547), and loss-of-function variants in CNGB1 are known to be pathogenic (PMID: 15557452, 24043777). This variant is present in population databases (rs770011113, gnomAD 0.06%). Disruption of this splice site has been observed in individuals with clinical features of retinitis pigmentosa (PMID: 33847019; internal data). ClinVar contains an entry for this variant (Variation ID: 425109). Algorithms developed to predict the effect of sequence changes on RNA splicing suggest that this variant may disrupt the consensus splice site. For these reasons, this variant has been classified as Pathogenic.

3billion
Classification: Pathogenic for Retinitis pigmentosa 45. Last evaluated: 2025-09-25. Review status: criteria provided, single submitter. Criteria: ACMG Guidelines, 2015. Collection method: clinical testing. Allele origin: germline. Affected: yes.
Comment: The variant is observed at an extremely low frequency in the gnomAD v4.1.0 dataset (total allele frequency: 0.002%). Predicted Consequence/Location: Canonical splice site: predicted to alter splicing and result in a loss or disruption of normal protein function. Multiple pathogenic loss-of-function variants are reported downstream of the variant. In silico tools predict the variant to alter splicing and produce an abnormal transcript [SpliceAI: 0.99 (spliceogenicity >=0.2, non-spliceogenicity <0.1)]. The variant has been reported at least twice as pathogenic with clinical assertions and evidence for the classification (ClinVar ID: VCV000425109 /PMID: 33847019 /3billion dataset). Therefore, this variant is classified as Pathogenic according to the recommendation of ACMG/AMP guideline.

Fulgent Genetics
Classification: Likely pathogenic for Retinitis pigmentosa 45. Last evaluated: 2024-04-13. Review status: criteria provided, single submitter. Criteria: ACMG Guidelines, 2015. Collection method: clinical testing. Allele origin: germline.

Women's Health and Genetics/Laboratory Corporation of America, LabCorp
Classification: Pathogenic for Retinitis pigmentosa. Last evaluated: 2023-12-08. Review status: criteria provided, single submitter. Criteria: LabCorp Variant Classification Summary - May 2015. Collection method: clinical testing. Allele origin: germline.
Comment: Variant summary: CNGB1 c.2794+1G>A is located in a canonical splice-site and is predicted to affect mRNA splicing resulting in a significantly altered protein due to either exon skipping, shortening, or inclusion of intronic material. Several computational tools predict a significant impact on normal splicing: Four predict the variant abolishes a 5' splicing donor site. The variant allele was found at a frequency of 9.2e-05 in 249286 control chromosomes. This frequency is not significantly higher than estimated for a pathogenic variant in CNGB1 causing Retinitis Pigmentosa (9.2e-05 vs 0.00063), allowing no conclusion about variant significance. c.2794+1G>A has been reported in the literature in individuals affected with Retinitis Pigmentosa (eg. Weisschuh_2020). Five submitters have cited clinical-significance assessments for this variant to ClinVar after 2014. All submitters classified the variant as pathogenic/likely pathogenic. Based on the evidence outlined above, the variant was classified as pathogenic.

Blueprint Genetics
Classification: Pathogenic for CNGB1-related disorders. Last evaluated: 2022-10-27. Review status: criteria provided, single submitter. Criteria: ACMG Guidelines, 2015. Collection method: clinical testing. Allele origin: germline. Affected: yes. Observed: 3 variant alleles.

DBGen Ocular Genomics
Classification: Pathogenic for Retinitis pigmentosa 45. Last evaluated: 2021-10-01. Review status: criteria provided, single submitter. Criteria: ACMG Guidelines, 2015. Collection method: clinical testing. Allele origin: germline. Affected: yes. Observed: 1 variant allele.

Molecular Genetics Laboratory, Institute for Ophthalmic Research
Classification: Pathogenic for Retinitis pigmentosa. Last evaluated: 2020-01-09. Review status: criteria provided, single submitter. Criteria: ACMG Guidelines, 2015. Collection method: research. Allele origin: germline. Affected: yes.

CeGaT Center for Human Genetics Tuebingen
Classification: Likely pathogenic. Last evaluated: 2017-01-01. Review status: criteria provided, single submitter. Criteria: CeGaT Center For Human Genetics Tuebingen Variant Classification Criteria Version 2. Collection method: clinical testing. Allele origin: germline. Affected: yes. Observed: 1 variant allele.

Literature cited by the submitters: PubMed 16199547 (cited by Labcorp Genetics (formerly Invitae), Labcorp); PubMed 15557452 (cited by Labcorp Genetics (formerly Invitae), Labcorp); PubMed 24043777 (cited by Labcorp Genetics (formerly Invitae), Labcorp); PubMed 33847019 (cited by Labcorp Genetics (formerly Invitae), Labcorp and 3billion); PubMed 32531858 (cited by Women's Health and Genetics/Laboratory Corporation of America, LabCorp).